The following is an entry in ClinVar:

NM_000138.5(FBN1):c.7540G>T (p.Gly2514Ter)

Gene: FBN1 (fibrillin 1; minus strand). Cytogenetic location: 15q21.1.
Variant type: single nucleotide variant.
Coding change: c.7540G>T on transcript NM_000138.5 (MANE Select); coding-DNA position 7540, G replaced by T.
Protein change: p.Gly2514Ter; replaces glycine 2514 with a stop codon.
Molecular consequence: nonsense.
Genome position (GRCh38, 1-based): chr15:48,421,982, C>A on the plus strand (G>T on the coding strand, the complement: FBN1 is on the minus strand). VCF-style: chr15-48421982-C-A. GRCh37 (hg19) VCF-style: chr15-48714179-C-A.
Other names: NM_000138.5:c.7540G>T; c.7540G>T, p.Gly2514Ter (NM_001406716.1); short protein forms G2514*.
Identifiers: ClinVar variation 2506018 (VCV002506018.1), dbSNP rs363811, ClinGen allele CA392325892.

ClinVar aggregate classification (germline): Pathogenic (3 of 4 stars; one submission).

Conditions:
Marfan syndrome (MFS). Also called: MARFAN SYNDROME, TYPE I; FBN1-Related Marfan Syndrome; Marfan syndrome type 1; Marfan's syndrome; Marfan syndrome, classic. Identifiers: Orphanet 284963, Orphanet 558, MedGen C0024796, MONDO:0007947, OMIM 154700.

Submission:

ClinGen FBN1 Variant Curation Expert Panel, ClinGen
Classification: Pathogenic for Marfan syndrome. Last evaluated: 2023-06-15. Review status: reviewed by expert panel. Criteria: Assertion Criteria VCEP FBN1 Version 1. Collection method: curation. Allele origin: germline. Inheritance: Autosomal dominant inheritance.
Comment: The NM_000138 c.7540G>T variant is a nonsense variant in FBN1 that is expected to introduce a premature stop codon at this position, likely resulting in an absent or disrupted protein product (PVS1). This variant was found in a proband with a clinical diagnosis of Marfan syndrome and segregates with disease in three affected family members (PP4, PP1; Bichat), as well as in an individual with features suggestive of or consistent with Marfan syndrome (PMID: 17627385). This variant is not present in gnomAD v2.1.1 or v3.1.2 (PM2_supporting). In summary, this variant meets criteria to be classified as pathogenic for Marfan syndrome based on the ACMG/AMP criteria applied, as specified by the ClinGen FBN1 VCEP: PVS1, PM2_supporting, PP1, PP4.